The following is an entry in ClinVar:

NM_001378454.1(ALMS1):c.7675-144C>G

Gene: ALMS1 (ALMS1 centrosome and basal body associated protein; plus strand). Cytogenetic location: 2p13.1.
Variant type: single nucleotide variant.
Coding change: c.7675-144C>G on transcript NM_001378454.1 (MANE Select); 144 bases into the intron before coding-DNA position 7675, C replaced by G.
Molecular consequence: intron variant.
Genome position (GRCh38, 1-based): chr2:73,489,490, C>G. VCF-style: chr2-73489490-C-G. GRCh37 (hg19) VCF-style: chr2-73716617-C-G.
Other names: c.7675-144C>G (NM_015120.4); c.7678-144C>G (NM_015120.4).
Identifiers: ClinVar variation 677933 (VCV000677933.1), dbSNP rs2056750, ClinGen allele CA11118261.

ClinVar aggregate classification (germline): Benign (1 of 4 stars; one submission).

Allele frequency attached by ClinVar (database versions not stated): 1000 Genomes Project 30x 0.03623; 1000 Genomes Project 0.03574; TOPMed 0.05670.
gnomAD v4.1: 51,375 of 932,122 alleles (5.5%); highest among the groups gnomAD compares: African/African-American, 7%; 1,618 homozygotes.

Submission:

GeneDx
Classification: Benign. Last evaluated: 2018-06-14. Review status: criteria provided, single submitter. Criteria: GeneDx Variant Classification (06012015). Collection method: clinical testing. Allele origin: germline. Affected: yes.
Comment: This variant is considered likely benign or benign based on one or more of the following criteria: it is a conservative change, it occurs at a poorly conserved position in the protein, it is predicted to be benign by multiple in silico algorithms, and/or has population frequency not consistent with disease.